The following is an entry in ClinVar:

ClinVar aggregate classification (germline): Uncertain significance. Review status: criteria provided, multiple submitters, no conflicts (2 of 4 stars). 4 submissions from 4 submitters: Uncertain significance (4). Last evaluated 2025-06-22.

Conditions:
Coronary artery disease, autosomal dominant 2 (ADCAD2). Identifiers: MedGen C1970440, MONDO:0012586, OMIM 610947.
Tooth agenesis, selective, 7 (STHAG7). Identifiers: Orphanet 99798, MedGen C4225231, MONDO:0014749, OMIM 616724.
Hypodontia. Also called: Partial congenital absence of teeth; TOOTH AGENESIS, FAMILIAL; Tooth agenesis, selective. Identifiers: Orphanet 99798, MedGen C0020608, MONDO:0005486, HP:0000668. Disease mechanism: loss of function.

Allele frequency attached by ClinVar (database versions not stated): ESP Exome Variant Server 0.00008; TOPMed 0.00008; gnomAD 0.00011.
gnomAD v4.1: 133 of 1,614,018 alleles (0.0082%); highest among the groups gnomAD compares: Admixed American, 0.02%; no homozygotes.

Submissions (4):

Labcorp Genetics (formerly Invitae), Labcorp
Classification: Uncertain significance. Last evaluated: 2025-06-22. Review status: criteria provided, single submitter. Criteria: Invitae Variant Classification Sherloc (09022015). Collection method: clinical testing. Allele origin: germline.
Comment: This sequence change replaces glycine, which is neutral and non-polar, with aspartic acid, which is acidic and polar, at codon 542 of the LRP6 protein (p.Gly542Asp). This variant is present in population databases (rs139800650, gnomAD 0.03%), and has an allele count higher than expected for a pathogenic variant. This variant has not been reported in the literature in individuals affected with LRP6-related conditions. ClinVar contains an entry for this variant (Variation ID: 2198245). Invitae Evidence Modeling of protein sequence and biophysical properties (such as structural, functional, and spatial information, amino acid conservation, physicochemical variation, residue mobility, and thermodynamic stability) indicates that this missense variant is not expected to disrupt LRP6 protein function with a negative predictive value of 80%. In summary, the available evidence is currently insufficient to determine the role of this variant in disease. Therefore, it has been classified as a Variant of Uncertain Significance.

Mayo Clinic Laboratories, Mayo Clinic
Classification: Uncertain significance. Last evaluated: 2025-02-19. Review status: criteria provided, single submitter. Criteria: ACMG Guidelines, 2015. Collection method: clinical testing. Allele origin: germline. Observed: 1 variant allele.
Comment: PP3_moderate

Molecular Genetics, Royal Melbourne Hospital
Classification: Uncertain significance for Hypodontia. Last evaluated: 2024-11-04. Review status: criteria provided, single submitter. Criteria: ACMG Guidelines, 2015. Collection method: clinical testing. Allele origin: germline. Inheritance: Autosomal dominant inheritance. Affected: yes.
Comment: This sequence change in LRP6 is predicted to replace glycine with aspartic acid at codon 542, p.(Gly542Asp). The glycine residue is highly conserved (100 vertebrates, Multiz Alignments), and is located in the beta-propeller 2 domain. There is a moderate physicochemical difference between glycine and aspartic acid. LRP6, in which the variant was identified, is a gene significantly constrained for missense variation and where pathogenic missense variants are a common mechanism of disease (gnomAD v4.1). The highest population minor allele frequency in the population database gnomAD v4.1 is 0.02% (12/60,006 alleles) in the Admixed American population. To our knowledge, this variant has not been previously reported in the relevant scientific literature and has been reported as a variant of uncertain significance (ClinVar ID: 2198245). Computational evidence predicts a deleterious effect for the missense substitution (REVEL = 0.807) and predicts no impact on splicing (SpliceAI) for the nucleotide change. Based on the classification scheme RMH Modified ACMG/AMP Guidelines v1.7.0, this variant is classified as a VARIANT OF UNCERTAIN SIGNIFICANCE. Following criteria are met: PP2, PP3.

Department of Pathology and Laboratory Medicine, Sinai Health System
Classification: Uncertain significance for Coronary artery disease, autosomal dominant 2; Tooth agenesis, selective, 7. Last evaluated: 2022-11-01. Review status: criteria provided, single submitter. Criteria: ACMG Guidelines, 2015. Collection method: research. Allele origin: germline.

NM_002336.3(LRP6):c.1625G>A (p.Gly542Asp)

Gene: LRP6 (LDL receptor related protein 6; minus strand). Cytogenetic location: 12p13.2.
Variant type: single nucleotide variant.
Coding change: c.1625G>A on transcript NM_002336.3 (MANE Select); coding-DNA position 1625, G replaced by A.
Protein change: p.Gly542Asp; replaces glycine 542 with aspartic acid.
Molecular consequence: missense variant.
Genome position (GRCh38, 1-based): chr12:12,165,216, C>T on the plus strand (G>A on the coding strand, the complement: LRP6 is on the minus strand). VCF-style: chr12-12165216-C-T. GRCh37 (hg19) VCF-style: chr12-12318150-C-T.
Other names: p.Gly542Asp; c.1625G>A, p.Gly542Asp (NM_001414244.1, NM_001414245.1, NM_001414246.1 and 4 more transcripts); c.1427G>A, p.Gly476Asp (NM_001414247.1); c.1172G>A, p.Gly391Asp (NM_001414252.1, NM_001414253.1, NM_001414254.1); short protein forms G476D, G542D, G391D.
Identifiers: ClinVar variation 2198245 (VCV002198245.7), dbSNP rs139800650, ClinGen allele CA6455623.
Genomic context (GRCh38, chr12:12,165,216, plus strand): 5'-CTTCGTTTATGAACTCTTTCAATGCTACGCCTCTGCCAGTCAGTCCAGTAAACATAGTCA[C>T]CCAACAAAGTAAATCCAAATATGTGAGGAATTTTGTCTTCCACTAGTACTCGTCTCCCAG-3'
Protein context (NP_002327.2, residues 532-552): IPHIFGFTLL[Gly542Asp]DYVYWTDWQR